The following is an entry in ClinVar:

NM_017636.4(TRPM4):c.953C>T (p.Thr318Ile)

Gene: TRPM4 (transient receptor potential cation channel subfamily M member 4; plus strand). Cytogenetic location: 19q13.33.
Variant type: single nucleotide variant.
Coding change: c.953C>T on transcript NM_017636.4 (MANE Select); coding-DNA position 953, C replaced by T.
Protein change: p.Thr318Ile; replaces threonine 318 with isoleucine.
Molecular consequence: missense variant. On other transcripts: 5 prime UTR variant (1).
Genome position (GRCh38, 1-based): chr19:49,171,672, C>T. VCF-style: chr19-49171672-C-T. GRCh37 (hg19) VCF-style: chr19-49674929-C-T.
Other names: c.953C>T, p.Thr318Ile (NM_001195227.2); c.608C>T, p.Thr203Ile (NM_001321281.2); c.-601C>T (NM_001321282.2); c.431C>T, p.Thr144Ile (NM_001321283.2); c.104C>T, p.Thr35Ile (NM_001321285.2); short protein forms T318I, T203I, T144I, T35I.
Identifiers: ClinVar variation 4725753 (VCV004725753.1).

ClinVar aggregate classification (germline): Uncertain significance (1 of 4 stars; one submission).

Conditions:
Progressive familial heart block type IB (PFHB1B). Identifiers: Orphanet 871, MedGen C1970298, MONDO:0011474, OMIM 604559.

Submission:

Labcorp Genetics (formerly Invitae), Labcorp
Classification: Uncertain significance for Progressive familial heart block type IB. Last evaluated: 2025-08-20. Review status: criteria provided, single submitter. Criteria: Invitae Variant Classification Sherloc (09022015). Collection method: clinical testing. Allele origin: germline.
Comment: This sequence change replaces threonine, which is neutral and polar, with isoleucine, which is neutral and non-polar, at codon 318 of the TRPM4 protein (p.Thr318Ile). This variant is not present in population databases (gnomAD no frequency). This variant has not been reported in the literature in individuals affected with TRPM4-related conditions. An algorithm developed to predict the effect of missense changes on protein structure and function (PolyPhen-2) suggests that this variant is likely to be tolerated. In summary, the available evidence is currently insufficient to determine the role of this variant in disease. Therefore, it has been classified as a Variant of Uncertain Significance.